The following is an entry in ClinVar:

NM_000528.4(MAN2B1):c.747C>T (p.Thr249=)

Gene: MAN2B1 (mannosidase alpha class 2B member 1; minus strand). Cytogenetic location: 19p13.13.
Variant type: single nucleotide variant.
Coding change: c.747C>T on transcript NM_000528.4 (MANE Select); coding-DNA position 747, C replaced by T.
Protein change: p.Thr249=; no amino-acid change (threonine 249 retained).
Molecular consequence: synonymous variant.
Genome position (GRCh38, 1-based): chr19:12,663,719, G>A on the plus strand (C>T on the coding strand, the complement: MAN2B1 is on the minus strand). VCF-style: chr19-12663719-G-A. GRCh37 (hg19) VCF-style: chr19-12774533-G-A.
Other names: c.747C>T, p.Thr249= (NM_001173498.2).
Identifiers: ClinVar variation 197683 (VCV000197683.23), dbSNP rs61737536, ClinGen allele CA203021.

ClinVar aggregate classification (germline): Benign. Review status: criteria provided, multiple submitters, no conflicts (2 of 4 stars). 7 submissions from 7 submitters: Benign (5). 2 of the submissions do not count toward it. Last evaluated 2026-02-01.

Conditions:
Deficiency of alpha-mannosidase (MANSA). Also called: Mannosidosis, alpha-, types I and II; LYSOSOMAL ALPHA-D-MANNOSIDASE DEFICIENCY; Alpha-Mannosidosis. Identifiers: Orphanet 61, MedGen C0024748, MONDO:0009561, OMIM 248500.

Allele frequency attached by ClinVar (database versions not stated): gnomAD exomes 0.00496 and 0.01325; ExAC 0.02095; gnomAD 0.05069 and 0.05436; ESP Exome Variant Server 0.05667; TOPMed 0.05809; 1000 Genomes Project 0.05871; 1000 Genomes Project 30x 0.06184.
gnomAD v4.1: 15,191 of 1,612,522 alleles (0.94%); highest among the groups gnomAD compares: African/African-American, 18%; 1,246 homozygotes.

Submissions (7):

Labcorp Genetics (formerly Invitae), Labcorp
Classification: Benign for Deficiency of alpha-mannosidase. Last evaluated: 2026-02-01. Review status: criteria provided, single submitter. Criteria: Invitae Variant Classification Sherloc (09022015). Collection method: clinical testing. Allele origin: germline.

GeneDx
Classification: Benign. Last evaluated: 2018-06-13. Review status: criteria provided, single submitter. Criteria: GeneDx Variant Classification (06012015). Collection method: clinical testing. Allele origin: germline. Affected: yes.
Comment: This variant is considered likely benign or benign based on one or more of the following criteria: it is a conservative change, it occurs at a poorly conserved position in the protein, it is predicted to be benign by multiple in silico algorithms, and/or has population frequency not consistent with disease.

Illumina Laboratory Services, Illumina
Classification: Benign for Deficiency of alpha-mannosidase. Last evaluated: 2018-01-12. Review status: criteria provided, single submitter. Criteria: ICSL Variant Classification Criteria 13 December 2019. Collection method: clinical testing. Allele origin: germline.
Comment: This variant was observed in the ICSL laboratory as part of a predisposition screen in an ostensibly healthy population. It had not been previously curated by ICSL or reported in the Human Gene Mutation Database (HGMD: prior to June 1st, 2018), and was therefore a candidate for classification through an automated scoring system. Utilizing variant allele frequency, disease prevalence and penetrance estimates, and inheritance mode, an automated score was calculated to assess if this variant is too frequent to cause the disease. Based on the score and internal cut-off values, a variant classified as benign is not then subjected to further curation. The score for this variant resulted in a classification of benign for this disease.

Eurofins Ntd Llc (ga)
Classification: Benign. Last evaluated: 2015-03-09. Review status: criteria provided, single submitter. Criteria: EGL Classification Definitions 2015. Collection method: clinical testing. Allele origin: germline. Observed: 2 variant alleles, 2 heterozygotes.

Breakthrough Genomics
Classification: Benign. Review status: criteria provided, single submitter. Criteria: ACMG Guidelines, 2015. Collection method: not provided. Allele origin: germline. Inheritance: Autosomal recessive inheritance. Affected: yes.

Natera, Inc.
Classification: Benign for Alpha-mannosidosis. Last evaluated: 2020-09-16. Review status: no assertion criteria provided. Collection method: clinical testing. Allele origin: germline. Not counted in ClinVar's aggregate classification.

Mayo Clinic Laboratories, Mayo Clinic
Classification: Benign. Last evaluated: 2017-09-21. Review status: no assertion criteria provided. Collection method: clinical testing. Allele origin: unknown. Not counted in ClinVar's aggregate classification.